The following is an entry in ClinVar:

ClinVar aggregate classification (germline): Pathogenic (1 of 4 stars; one submission).

Conditions:
RYR1-related disorder. Also called: RYR1-related condition; RYR1-related disorders. Identifiers: MedGen CN239331.

Submission:

Labcorp Genetics (formerly Invitae), Labcorp
Classification: Pathogenic for RYR1-related disorder. Last evaluated: 2023-08-07. Review status: criteria provided, single submitter. Criteria: Invitae Variant Classification Sherloc (09022015). Collection method: clinical testing. Allele origin: germline.
Comment: This sequence change creates a premature translational stop signal (p.Tyr496*) in the RYR1 gene. It is expected to result in an absent or disrupted protein product. Loss-of-function variants in RYR1 are known to be pathogenic (PMID: 23919265, 25960145, 28818389, 30611313). For these reasons, this variant has been classified as Pathogenic. This variant has not been reported in the literature in individuals affected with RYR1-related conditions. This variant is not present in population databases (gnomAD no frequency).

Literature cited by the submitters: PubMed 23919265; PubMed 25960145; PubMed 28818389; PubMed 30611313.

NM_000540.3(RYR1):c.1488C>A (p.Tyr496Ter)

Genes: RYR1 (ryanodine receptor 1; plus strand), LOC129391106 (MPRA-validated peak3472 silencer; plus strand). Cytogenetic location: 19q13.2.
Variant type: single nucleotide variant.
Coding change: c.1488C>A on transcript NM_000540.3 (MANE Select); coding-DNA position 1488, C replaced by A.
Protein change: p.Tyr496Ter; replaces tyrosine 496 with a stop codon.
Molecular consequence: nonsense.
Genome position (GRCh38, 1-based): chr19:38,455,282, C>A. VCF-style: chr19-38455282-C-A. GRCh37 (hg19) VCF-style: chr19-38945922-C-A.
Other names: c.1488C>A, p.Tyr496Ter (NM_001042723.2); short protein forms Y496*.
Identifiers: ClinVar variation 2750838 (VCV002750838.3), dbSNP rs773507163, ClinGen allele CA405688752.
Genomic context (GRCh38, chr19:38,455,282, plus strand): 5'-TTCCTCATCCTAGGGGATGCTCTCCATGGTCCTGAATTGCATAGACCGCCTAAATGTCTA[C>A]ACCACTGCTGCCCACTTTGCTGAGTTTGCAGGGGAGGAGGCAGCCGAGTCCTGGAAAGAG-3'